The following is an entry in ClinVar:

ClinVar aggregate classification (germline): Pathogenic. Review status: criteria provided, single submitter (1 of 4 stars). 2 submissions from 1 submitter: Pathogenic (2). Last evaluated 2021-04-14.

Conditions:
Carney-Stratakis syndrome. Also called: PARAGANGLIOMA AND GASTROINTESTINAL STROMAL TUMOR. Identifiers: Orphanet 97286, MedGen C1847319, MONDO:0011740, OMIM 606864.
Cowden syndrome 3 (CWS3). Identifiers: Orphanet 201, MedGen CN166604, MONDO:0014045.
Pheochromocytoma. Also called: MAX-Related Hereditary Paraganglioma-Pheochromocytoma Syndrome. Identifiers: Orphanet 29072, MedGen C0031511, MONDO:0008233, OMIM 171300, HP:0002666.
Paragangliomas with sensorineural hearing loss. Identifiers: MedGen C1868633.
Pheochromocytoma/paraganglioma syndrome 1. Also called: PARAGANGLIOMAS, FAMILIAL NONCHROMAFFIN, 1; PGL 1; Paragangliomas familial 1; SDHD-Related Hereditary Paraganglioma-Pheochromocytoma Syndrome; Paragangliomas 1; Glomus tumors familial 1. Identifiers: Orphanet 29072, MedGen C3494181, MONDO:0008192, OMIM 168000.

Submissions (2):

Labcorp Genetics (formerly Invitae), Labcorp
Classification: Pathogenic for Carney-Stratakis syndrome; Paragangliomas with sensorineural hearing loss; Pheochromocytoma; Cowden syndrome 3. Last evaluated: 2021-04-14. Review status: criteria provided, single submitter. Criteria: Invitae Variant Classification Sherloc (09022015). Collection method: clinical testing. Allele origin: germline.
Comment: A gross deletion of the genomic region encompassing the full coding sequence of the SDHD gene has been identified. Loss-of-function variants in SDHD are known to be pathogenic (PMID: 19454582, 19802898). The boundaries of this event are unknown as they extend beyond the assayed region for this gene and therefore may encompass additional genes. This variant has been observed in individual(s) with paraganiglioma (PMID: 15531530, 25720320). It has also been observed to segregate with disease in related individuals. ClinVar contains an entry for this variant (Variation ID: 584168). For these reasons, this variant has been classified as Pathogenic.

Labcorp Genetics (formerly Invitae), Labcorp
Classification: Pathogenic for Paraganglioma and gastric stromal sarcoma; Paragangliomas 1; Pheochromocytoma; Cowden syndrome 3. Last evaluated: 2019-06-25. Review status: criteria provided, single submitter. Criteria: Invitae Variant Classification Sherloc (09022015). Collection method: clinical testing. Allele origin: germline.
Comment: A gross deletion of the genomic region encompassing the full coding sequence of the SDHD gene has been identified. The boundaries of this event are unknown as the deletion extends beyond the assayed region for this gene and therefore may encompass additional genes. This variant has been observed to segregate with paraganglioma in a single family (PMID: 15531530). ClinVar contains an entry for this variant (Variation ID: 584168). Loss-of-function variants in SDHD are known to be pathogenic (PMID: 19454582, 19802898). For these reasons, this variant has been classified as Pathogenic.

Literature cited by the submitters: PubMed 19454582; PubMed 19802898; PubMed 15531530; PubMed 25720320.

NC_000011.10:g.(?_112086898)_(112094980_?)del

Genes: SDHD (succinate dehydrogenase complex subunit D; plus strand), LOC126861339 (BRD4-independent group 4 enhancer GRCh37_chr11:111957035-111958234; plus strand). Cytogenetic location: 11q23.1.
Variant type: Deletion.
Identifiers: ClinVar variation 584168 (VCV000584168.4).